The following is an entry in ClinVar:

NM_001040142.2(SCN2A):c.1898G>A (p.Arg633Lys)

Gene: SCN2A (sodium voltage-gated channel alpha subunit 2; plus strand). Cytogenetic location: 2q24.3.
Variant type: single nucleotide variant.
Coding change: c.1898G>A on transcript NM_001040142.2 (MANE Select); coding-DNA position 1898, G replaced by A.
Protein change: p.Arg633Lys; replaces arginine 633 with lysine.
Molecular consequence: missense variant.
Genome position (GRCh38, 1-based): chr2:165,323,382, G>A. VCF-style: chr2-165323382-G-A. GRCh37 (hg19) VCF-style: chr2-166179892-G-A.
Other names: c.1898G>A, p.Arg633Lys (NM_001040143.2, NM_001371246.1, NM_001371247.1 and 1 more transcripts); c.1898G>A (NM_021007.2); short protein forms R633K.
Identifiers: ClinVar variation 2099490 (VCV002099490.5), dbSNP rs767362827, ClinGen allele CA1939884.

ClinVar aggregate classification (germline): Uncertain significance. Review status: criteria provided, multiple submitters, no conflicts (2 of 4 stars). 2 submissions from 2 submitters: Uncertain significance (2). Last evaluated 2026-03-06.

Conditions:
Seizures, benign familial infantile, 3 (BFIS3). Also called: CONVULSIONS, BENIGN FAMILIAL INFANTILE, 3; Familial neonatal seizures. Identifiers: Orphanet 140927, Orphanet 306, MedGen C1843140, MONDO:0011904, OMIM 607745.
Developmental and epileptic encephalopathy, 11 (DEE11). Also called: Early infantile epileptic encephalopathy 11. Identifiers: Orphanet 1934, MedGen C3150987, MONDO:0013388, OMIM 613721.

Allele frequency attached by ClinVar (database versions not stated): ExAC 0.00001; gnomAD 0.00001; TOPMed 0.00001.
gnomAD v4.1: 1 of 1,614,060 alleles (0.000062%); highest among the groups gnomAD compares: African/African-American, 0.0013%; no homozygotes.

Submissions (2):

GeneDx
Classification: Uncertain significance. Last evaluated: 2026-03-06. Review status: criteria provided, single submitter. Criteria: GeneDx Variant Classification Process June 2021. Collection method: clinical testing. Allele origin: germline.
Comment: In silico analysis suggests this variant may impact gene splicing. In the absence of RNA/functional studies, the actual effect of this sequence change is unknown.; In silico analysis suggests that this missense variant does not alter protein structure/function; This substitution is predicted to be in the cytoplasmic loop between the first and second homologous domains; Not observed at significant frequency in large population cohorts (gnomAD); Has not been previously published as pathogenic or benign to our knowledge

Labcorp Genetics (formerly Invitae), Labcorp
Classification: Uncertain significance for Seizures, benign familial infantile, 3; Developmental and epileptic encephalopathy, 11. Last evaluated: 2022-02-19. Review status: criteria provided, single submitter. Criteria: Invitae Variant Classification Sherloc (09022015). Collection method: clinical testing. Allele origin: germline.
Comment: This sequence change replaces arginine, which is basic and polar, with lysine, which is basic and polar, at codon 633 of the SCN2A protein (p.Arg633Lys). The frequency data for this variant in the population databases is considered unreliable, as metrics indicate poor data quality at this position in the gnomAD database. This variant has not been reported in the literature in individuals affected with SCN2A-related conditions. Algorithms developed to predict the effect of missense changes on protein structure and function are either unavailable or do not agree on the potential impact of this missense change (SIFT: "Deleterious"; PolyPhen-2: "Benign"; Align-GVGD: "Class C0"). Algorithms developed to predict the effect of sequence changes on RNA splicing suggest that this variant may create or strengthen a splice site. In summary, the available evidence is currently insufficient to determine the role of this variant in disease. Therefore, it has been classified as a Variant of Uncertain Significance.